The following is an entry in ClinVar:

ClinVar aggregate classification (germline): Uncertain significance. Review status: criteria provided, multiple submitters, no conflicts (2 of 4 stars). 3 submissions from 3 submitters: Uncertain significance (3). Last evaluated 2025-03-31.

gnomAD v4.1: 20 of 1,614,238 alleles (0.0012%); highest among the groups gnomAD compares: Admixed American, 0.0033%; no homozygotes.

Submissions (3):

Labcorp Genetics (formerly Invitae), Labcorp
Classification: Uncertain significance. Last evaluated: 2025-03-31. Review status: criteria provided, single submitter. Criteria: Invitae Variant Classification Sherloc (09022015). Collection method: clinical testing. Allele origin: germline.
Comment: This sequence change replaces glycine, which is neutral and non-polar, with serine, which is neutral and polar, at codon 284 of the RHO protein (p.Gly284Ser). This variant is present in population databases (no rsID available, gnomAD 0.003%). This variant has not been reported in the literature in individuals affected with RHO-related conditions. ClinVar contains an entry for this variant (Variation ID: 283425). Invitae Evidence Modeling of protein sequence and biophysical properties (such as structural, functional, and spatial information, amino acid conservation, physicochemical variation, residue mobility, and thermodynamic stability) indicates that this missense variant is not expected to disrupt RHO protein function with a negative predictive value of 95%. In summary, the available evidence is currently insufficient to determine the role of this variant in disease. Therefore, it has been classified as a Variant of Uncertain Significance.

Blueprint Genetics
Classification: Uncertain significance. Last evaluated: 2024-09-12. Review status: criteria provided, single submitter. Criteria: ACMG Guidelines, 2015. Collection method: clinical testing. Allele origin: germline.

Eurofins Ntd Llc (ga)
Classification: Uncertain significance. Last evaluated: 2015-09-21. Review status: criteria provided, single submitter. Criteria: EGL Classification Definitions 2015. Collection method: clinical testing. Allele origin: germline.

NM_000539.3(RHO):c.850G>A (p.Gly284Ser)

Gene: RHO (rhodopsin; plus strand). Cytogenetic location: 3q22.1.
Variant type: single nucleotide variant.
Coding change: c.850G>A on transcript NM_000539.3 (MANE Select); coding-DNA position 850, G replaced by A.
Protein change: p.Gly284Ser; replaces glycine 284 with serine.
Molecular consequence: missense variant.
Genome position (GRCh38, 1-based): chr3:129,532,686, G>A. VCF-style: chr3-129532686-G-A. GRCh37 (hg19) VCF-style: chr3-129251529-G-A.
Other names: short protein forms G284S.
Identifiers: ClinVar variation 283425 (VCV000283425.14), dbSNP rs765350593, ClinGen allele CA10604486.